The following is an entry in ClinVar:

NM_003482.4(KMT2D):c.13239_13240insT (p.Ser4414Ter)

Gene: KMT2D (lysine methyltransferase 2D; minus strand). Cytogenetic location: 12q13.12.
Variant type: Insertion.
Coding change: c.13239_13240insT on transcript NM_003482.4 (MANE Select); coding-DNA positions 13239 to 13240, T inserted.
Protein change: p.Ser4414Ter; replaces serine 4414 with a stop codon.
Molecular consequence: nonsense.
Genome position: GRCh38 VCF-style: chr12-49031465-T-TA. GRCh37 (hg19) VCF-style: chr12-49425248-T-TA.
Other names: short protein forms S4414*.
Identifiers: ClinVar variation 1456908 (VCV001456908.6), dbSNP rs2120420448, ClinGen allele CA2573148690.

ClinVar aggregate classification (germline): Pathogenic (1 of 4 stars; one submission).

Conditions:
Kabuki syndrome. Also called: Kabuki make-up syndrome; NIIKAWA-KUROKI SYNDROME. Identifiers: Orphanet 2322, MedGen C0796004, MONDO:0016512.

Submission:

Labcorp Genetics (formerly Invitae), Labcorp
Classification: Pathogenic for Kabuki syndrome. Last evaluated: 2021-08-20. Review status: criteria provided, single submitter. Criteria: Invitae Variant Classification Sherloc (09022015). Collection method: clinical testing. Allele origin: germline.
Comment: For these reasons, this variant has been classified as Pathogenic. This variant has not been reported in the literature in individuals affected with KMT2D-related conditions. This variant is not present in population databases (ExAC no frequency). This sequence change creates a premature translational stop signal (p.Ser4414*) in the KMT2D gene. It is expected to result in an absent or disrupted protein product. Loss-of-function variants in KMT2D are known to be pathogenic (PMID: 22126750).

Literature cited by the submitters: PubMed 22126750.